The following is an entry in ClinVar:

ClinVar aggregate classification (germline): Uncertain significance. Review status: criteria provided, multiple submitters, no conflicts (2 of 4 stars). 6 submissions from 4 submitters: Uncertain significance (6). Last evaluated 2026-05-13.

Conditions:
Tooth agenesis, selective, 4 (STHAG4). Also called: SUCCEDANEOUS TEETH, AGENESIS OF; TOOTH AGENESIS, SELECTIVE, 4, WITH OR WITHOUT ECTODERMAL DYSPLASIA; LATERAL INCISORS, ABSENCE OF; LATERAL INCISORS, PEGGED OR MISSING. Identifiers: Orphanet 99798, MedGen C1835492, MONDO:0007881, OMIM 150400. Disease mechanism: loss of function.
Odonto-onycho-dermal dysplasia. Identifiers: Orphanet 2721, MedGen C0796093, MONDO:0009773, OMIM 257980.
WNT10A-related disorder. Also called: WNT10A-related disorders; WNT10A-related condition.
Schöpf-Schulz-Passarge syndrome. Also called: KERATOSIS PALMOPLANTARIS WITH CYSTIC EYELIDS, HYPODONTIA, AND HYPOTRICHOSIS; SchC6pf-Schulz-Passarge syndrome; ECCRINE TUMORS WITH ECTODERMAL DYSPLASIA. Identifiers: Orphanet 50944, MedGen C1857069, MONDO:0009145, OMIM 224750.

Allele frequency attached by ClinVar (database versions not stated): gnomAD exomes 0.00006 and 0.00011; ExAC 0.00015; ESP Exome Variant Server 0.00023; TOPMed 0.00023; gnomAD 0.00027 and 0.00028.
gnomAD v4.1: 133 of 1,610,430 alleles (0.0083%); highest among the groups gnomAD compares: African/African-American, 0.073%; no homozygotes.

Submissions (6):

PreventionGenetics, part of Exact Sciences
Classification: Uncertain significance for WNT10A-related condition. Last evaluated: 2026-05-13. Review status: criteria provided, single submitter. Criteria: ACMG Guidelines, 2015. Collection method: clinical testing. Allele origin: germline.
Comment: The WNT10A c.668G>A variant is predicted to result in the amino acid substitution p.Arg223His. This variant was reported in an individual with tooth agenesis (Biedziak et al. 2022. PubMed ID: 36294409). This variant is reported in 0.087% of alleles in individuals of Ashkenazi Jewish descent in gnomAD. Of note, another variant impacting the same amino acid (p.Arg223Cys) was reported in an individual with oligodontia (Arzoo et al. 2014. PubMed ID: 24449199). At this time, the clinical significance of the c.668G>A (p.Arg223His) variant is uncertain due to the absence of conclusive functional and genetic evidence.

Labcorp Genetics (formerly Invitae), Labcorp
Classification: Uncertain significance for Tooth agenesis, selective, 4; Odonto-onycho-dermal dysplasia. Last evaluated: 2024-10-07. Review status: criteria provided, single submitter. Criteria: Invitae Variant Classification Sherloc (09022015). Collection method: clinical testing. Allele origin: germline.
Comment: This sequence change replaces arginine, which is basic and polar, with histidine, which is basic and polar, at codon 223 of the WNT10A protein (p.Arg223His). This variant is present in population databases (rs143424659, gnomAD 0.09%). This missense change has been observed in individual(s) with tooth agenesis (PMID: 36294409). ClinVar contains an entry for this variant (Variation ID: 894954). Invitae Evidence Modeling of protein sequence and biophysical properties (such as structural, functional, and spatial information, amino acid conservation, physicochemical variation, residue mobility, and thermodynamic stability) indicates that this missense variant is not expected to disrupt WNT10A protein function with a negative predictive value of 80%. In summary, the available evidence is currently insufficient to determine the role of this variant in disease. Therefore, it has been classified as a Variant of Uncertain Significance.

Fulgent Genetics
Classification: Uncertain significance for Tooth agenesis, selective, 4; Schöpf-Schulz-Passarge syndrome; Odonto-onycho-dermal dysplasia. Last evaluated: 2021-09-14. Review status: criteria provided, single submitter. Criteria: ACMG Guidelines, 2015. Collection method: clinical testing. Allele origin: unknown.

Illumina Laboratory Services, Illumina
Classification: Uncertain significance for Schöpf-Schulz-Passarge syndrome. Last evaluated: 2018-01-12. Review status: criteria provided, single submitter. Criteria: ICSL Variant Classification Criteria 13 December 2019. Collection method: clinical testing. Allele origin: germline.

Illumina Laboratory Services, Illumina
Classification: Uncertain significance for Tooth agenesis, selective, 4. Last evaluated: 2018-01-12. Review status: criteria provided, single submitter. Criteria: ICSL Variant Classification Criteria 13 December 2019. Collection method: clinical testing. Allele origin: germline.

Illumina Laboratory Services, Illumina
Classification: Uncertain significance for Odonto-onycho-dermal dysplasia. Last evaluated: 2018-01-12. Review status: criteria provided, single submitter. Criteria: ICSL Variant Classification Criteria 13 December 2019. Collection method: clinical testing. Allele origin: germline.

Literature cited by the submitters: PubMed 36294409 (cited by Labcorp Genetics (formerly Invitae), Labcorp).

NM_025216.3(WNT10A):c.668G>A (p.Arg223His)

Gene: WNT10A (Wnt family member 10A; plus strand). Cytogenetic location: 2q35.
Variant type: single nucleotide variant.
Coding change: c.668G>A on transcript NM_025216.3 (MANE Select); coding-DNA position 668, G replaced by A.
Protein change: p.Arg223His; replaces arginine 223 with histidine.
Molecular consequence: missense variant.
Genome position (GRCh38, 1-based): chr2:218,890,275, G>A. VCF-style: chr2-218890275-G-A. GRCh37 (hg19) VCF-style: chr2-219754997-G-A.
Other names: short protein forms R223H.
Identifiers: ClinVar variation 894954 (VCV000894954.12), dbSNP rs143424659, ClinGen allele CA2113995.